The following is an entry in ClinVar:

NC_012920.1(MT-ND1):m.3399A>T

Gene: MT-ND1 (mitochondrially encoded NADH dehydrogenase 1; plus strand).
Variant type: single nucleotide variant.
Genome position: chrM-3399-A-T.
Identifiers: ClinVar variation 692352 (VCV000692352.2), dbSNP rs386828905, ClinGen allele CA337096528.

ClinVar aggregate classification (germline): Benign. Review status: criteria provided, multiple submitters, no conflicts (2 of 4 stars). 2 submissions from 2 submitters: Benign (2). Last evaluated 2019-10-17.

Conditions:
Leigh syndrome (NULS). Also called: Leigh's necrotizing encephalopathy; Leigh's disease; Leigh Syndrome (mtDNA deletion); Leigh Disease; Subacute necrotizing encephalopathy; Necrotizing encephalopathy infantile subacute of Leigh. Identifiers: Orphanet 506, MedGen C2931891, MONDO:0009723, OMIM 256000.

Submissions (2):

Wong Mito Lab, Molecular and Human Genetics, Baylor College of Medicine
Classification: Benign for Leigh syndrome. Last evaluated: 2019-10-17. Review status: criteria provided, single submitter. Criteria: Modified ACMG Guidelines (Unpublished). Collection method: clinical testing. Allele origin: germline.
Comment: The NC_012920.1:m.3399A>T (YP_003024026.1:p.Met31Ile) variant in MTND1 gene is interpretated to be a Benign variant based on the modified ACMG guidelines (unpublished). This variant meets the following evidence codes: BS1, BS2, BP4

Breakthrough Genomics
Classification: Benign. Review status: criteria provided, single submitter. Criteria: ACMG Guidelines, 2015. Collection method: not provided. Allele origin: germline. Inheritance: Unknown mechanism. Affected: yes.

Literature cited by the submitters: PubMed 10704697 (cited by Wong Mito Lab, Molecular and Human Genetics, Baylor College of Medicine).